The following is an entry in ClinVar:

NM_002354.3(EPCAM):c.7C>A (p.Pro3Thr)

Gene: EPCAM (epithelial cell adhesion molecule; plus strand). Cytogenetic location: 2p21.
Variant type: single nucleotide variant.
Coding change: c.7C>A on transcript NM_002354.3 (MANE Select); coding-DNA position 7, C replaced by A.
Protein change: p.Pro3Thr; replaces proline 3 with threonine.
Molecular consequence: missense variant.
Genome position (GRCh38, 1-based): chr2:47,369,512, C>A. VCF-style: chr2-47369512-C-A. GRCh37 (hg19) VCF-style: chr2-47596651-C-A.
Other names: short protein forms P3T.
Identifiers: ClinVar variation 2477719 (VCV002477719.4), dbSNP rs587780772, ClinGen allele CA1648800.
Genomic context (GRCh38, chr2:47,369,512, plus strand): 5'-CCTCCCGCGAGTCCCGGGCCCCTCCCGCGCCCCTCTTCTCGGCGCGCGCGCAGCATGGCG[C>A]CCCCGCAGGTCCTCGCGTTCGGGCTTCTGCTTGCCGCGGCGACGGCGACTTTTGCCGCAG-3'
Protein context (NP_002345.2, residues 1-13): MA[Pro3Thr]PQVLAFGLLL

ClinVar aggregate classification (germline): Uncertain significance (1 of 4 stars; one submission).

Conditions:
Hereditary cancer-predisposing syndrome. Also called: Neoplastic Syndromes, Hereditary; Hereditary neoplastic syndrome; Tumor predisposition; Hereditary Cancer Syndrome. Identifiers: Orphanet 140162, MedGen C0027672, MeSH D009386, MONDO:0015356.

Allele frequency attached by ClinVar (database versions not stated): ExAC 0.00005.
gnomAD v4.1: 2 of 1,556,410 alleles (0.00013%); highest among the groups gnomAD compares: Admixed American, 0.0039%; no homozygotes.

Submission:

Ambry Genetics
Classification: Uncertain significance for Hereditary cancer-predisposing syndrome. Last evaluated: 2025-02-07. Review status: criteria provided, single submitter. Criteria: Ambry Variant Classification Scheme 2023. Collection method: clinical testing. Allele origin: germline.
Comment: The p.P3T variant (also known as c.7C>A), located in coding exon 1 of the EPCAM gene, results from a C to A substitution at nucleotide position 7. The proline at codon 3 is replaced by threonine, an amino acid with highly similar properties. This amino acid position is conserved. In addition, this alteration is predicted to be tolerated by in silico analysis. Since supporting evidence is limited at this time, the clinical significance of this alteration remains unclear.